The following is an entry in ClinVar:

ClinVar aggregate classification (germline): Conflicting classifications of pathogenicity. Review status: criteria provided, conflicting classifications (1 of 4 stars). 2 submissions from 2 submitters: Pathogenic (1); Uncertain significance (1). Last evaluated 2026-08-06.

Conditions:
Hereditary spastic paraplegia 50 (SPG50). Also called: Spastic paraplegia 50, autosomal recessive. Identifiers: Orphanet 280763, MedGen C2752008, MONDO:0013048, OMIM 612936.

Submissions (2):

OLLIN Analises Genomicas, OLLIN
Classification: Uncertain significance for Hereditary spastic paraplegia 50. Last evaluated: 2026-08-06. Review status: criteria provided, single submitter. Criteria: ACMG Guidelines 2015 PMID 25741868. Collection method: clinical testing. Allele origin: germline. Inheritance: Autosomal recessive inheritance.
Comment: This frameshift variant, located in exon 15 (of 15), is absent from gnomAD and has not been identified in the literature. However, it has been reported in ClinVar (accession VCV002047850.1). This variant causes a frameshift and introduces a premature stop codon, which is predicted to result in either a truncated protein or degradation of the mRNA via nonsense-mediated decay (NMD). According to the currently available evidence, this variant has been classified as uncertain significance (PVS1_S, PM2_P).

Labcorp Genetics (formerly Invitae), Labcorp
Classification: Pathogenic for Hereditary spastic paraplegia 50. Last evaluated: 2022-09-13. Review status: criteria provided, single submitter. Criteria: Invitae Variant Classification Sherloc (09022015). Collection method: clinical testing. Allele origin: germline.
Comment: This sequence change creates a premature translational stop signal (p.Thr395Serfs*128) in the AP4M1 gene. While this is not anticipated to result in nonsense mediated decay, it is expected to disrupt the last 59 amino acid(s) of the AP4M1 protein. This variant is not present in population databases (gnomAD no frequency). This variant has not been reported in the literature in individuals affected with AP4M1-related conditions. This variant disrupts a region of the AP4M1 protein in which other variant(s) (p.Arg441*) have been determined to be pathogenic (PMID: 32979048, 32989326; Invitae). This suggests that this is a clinically significant region of the protein, and that variants that disrupt it are likely to be disease-causing. For these reasons, this variant has been classified as Pathogenic.

Literature cited by the submitters: PubMed 32979048 (cited by Labcorp Genetics (formerly Invitae), Labcorp); PubMed 32989326 (cited by Labcorp Genetics (formerly Invitae), Labcorp).

NM_004722.4(AP4M1):c.1183_1196del (p.Thr395fs)

Gene: AP4M1 (adaptor related protein complex 4 subunit mu 1; plus strand). Cytogenetic location: 7q22.1.
Variant type: Deletion.
Coding change: c.1183_1196del on transcript NM_004722.4 (MANE Select); coding-DNA positions 1183 to 1196, 14 bases deleted (ACCTCGGCCTCTCC).
Protein change: p.Thr395fs; shifts the reading frame from threonine 395.
Molecular consequence: frameshift variant.
Genome position (GRCh38, 1-based): chr7:100,106,703-100,106,716, ACCTCGGCCTCTCC deleted; deleting any 14 consecutive bases within chr7:100,106,697-100,106,716 gives the same sequence; the c. name uses the placement nearest the transcript's 3' end. VCF-style (leftmost placement, unchanged base first): chr7-100106696-GCTCTCCACCTCGGC-G. GRCh37 (hg19) VCF-style: chr7-99704319-GCTCTCCACCTCGGC-G.
Other names: c.1204_1217del, p.Thr402fs (NM_001363671.2); short protein forms T402fs, T395fs.
Identifiers: ClinVar variation 2047850 (VCV002047850.2), dbSNP rs2546963629, ClinGen allele CA2580076027.